The following is an entry in ClinVar:

ClinVar aggregate classification (germline): Likely benign (1 of 4 stars; one submission).

gnomAD v4.1: 684 of 1,613,490 alleles (0.042%); highest among the groups gnomAD compares: Middle Eastern, 0.049%; 1 homozygote.

Submission:

CeGaT Center for Human Genetics Tuebingen
Classification: Likely benign. Last evaluated: 2025-10-01. Review status: criteria provided, single submitter. Criteria: CeGaT Center For Human Genetics Tuebingen Variant Classification Criteria Version 2. Collection method: clinical testing. Allele origin: germline. Affected: yes. Observed: 2 variant alleles.
Comment: PTPN22: BP4, BP7

NM_015967.8(PTPN22):c.858A>G (p.Val286=)

Genes: AP4B1-AS1 (AP4B1 antisense RNA 1; plus strand), PTPN22 (protein tyrosine phosphatase non-receptor type 22; minus strand). Cytogenetic location: 1p13.2.
Variant type: single nucleotide variant.
Coding change: c.858A>G on transcript NM_015967.8 (MANE Select); coding-DNA position 858, A replaced by G.
Protein change: p.Val286=; no amino-acid change (valine 286 retained).
Molecular consequence: synonymous variant. On other transcripts: intron variant (1).
Genome position (GRCh38, 1-based): chr1:113,848,597, T>C on the plus strand (A>G on the coding strand, the complement: PTPN22 is on the minus strand). VCF-style: chr1-113848597-T-C. GRCh37 (hg19) VCF-style: chr1-114391219-T-C.
Other names: c.858A>G, p.Val286= (NM_001193431.3); c.786A>G, p.Val262= (NM_001308297.2); c.750+5874A>G (NM_012411.6).
Identifiers: ClinVar variation 3256996 (VCV003256996.17).